The following is an entry in ClinVar:

ClinVar aggregate classification (germline): Uncertain significance. Review status: criteria provided, multiple submitters, no conflicts (2 of 4 stars). 4 submissions from 4 submitters: Uncertain significance (4). Last evaluated 2026-01-12.

Conditions:
TJP2-related disorder. Also called: TJP2-related condition.
Inborn genetic diseases. Identifiers: MedGen C0950123, MeSH D030342.

Allele frequency attached by ClinVar (database versions not stated): ExAC 0.00001; gnomAD 0.00002; gnomAD exomes 0.00002 and 0.00004; TOPMed 0.00002.
gnomAD v4.1: 16 of 1,613,770 alleles (0.00099%); highest among the groups gnomAD compares: Admixed American, 0.025%; no homozygotes.

Submissions (4):

PreventionGenetics, part of Exact Sciences
Classification: Uncertain significance for TJP2-related condition. Last evaluated: 2026-01-12. Review status: criteria provided, single submitter. Criteria: ACMG Guidelines, 2015. Collection method: clinical testing. Allele origin: germline.
Comment: The TJP2 c.1027A>G variant is predicted to result in the amino acid substitution p.Asn343Asp. To our knowledge, this variant has not been reported in the literature. This variant is reported in 0.029% of alleles in individuals of Latino descent in gnomAD. At this time, the clinical significance of this variant is uncertain due to the absence of conclusive functional and genetic evidence.

Ambry Genetics
Classification: Uncertain significance for Inborn genetic diseases. Last evaluated: 2025-08-31. Review status: criteria provided, single submitter. Criteria: Ambry Variant Classification Scheme 2023. Collection method: clinical testing. Allele origin: germline.

GeneDx
Classification: Uncertain significance. Last evaluated: 2021-08-24. Review status: criteria provided, single submitter. Criteria: GeneDx Variant Classification Process June 2021. Collection method: clinical testing. Allele origin: germline. Affected: yes.
Comment: In silico analysis supports that this missense variant has a deleterious effect on protein structure/function; Has not been previously published as pathogenic or benign to our knowledge

Eurofins Ntd Llc (ga)
Classification: Uncertain significance. Last evaluated: 2015-05-22. Review status: criteria provided, single submitter. Criteria: EGL Classification Definitions 2015. Collection method: clinical testing. Allele origin: germline. Observed: 1 variant allele, 1 heterozygote.

NM_004817.4(TJP2):c.1027A>G (p.Asn343Asp)

Gene: TJP2 (tight junction protein 2; plus strand). Cytogenetic location: 9q21.11.
Variant type: single nucleotide variant.
Coding change: c.1027A>G on transcript NM_004817.4 (MANE Select); coding-DNA position 1027, A replaced by G.
Protein change: p.Asn343Asp; replaces asparagine 343 with aspartic acid.
Molecular consequence: missense variant.
Genome position (GRCh38, 1-based): chr9:69,225,378, A>G. VCF-style: chr9-69225378-A-G. GRCh37 (hg19) VCF-style: chr9-71840294-A-G.
Other names: c.958A>G, p.Asn320Asp (NM_001170414.2, NM_001369870.1, NM_001369871.1); c.1039A>G, p.Asn347Asp (NM_001170415.1, NM_001369874.1, NM_001369875.1); c.1120A>G, p.Asn374Asp (NM_001170416.2); c.1027A>G, p.Asn343Asp (NM_001369872.1, NM_001369873.1, NM_201629.3 and 1 more transcripts); short protein forms N343D, N347D, N374D, N320D.
Identifiers: ClinVar variation 198178 (VCV000198178.9), dbSNP rs538420656, ClinGen allele CA246691.